The following is an entry in ClinVar:

ClinVar aggregate classification (germline): Uncertain significance (1 of 4 stars; one submission).

Conditions:
Ataxia-telangiectasia syndrome (AT). Also called: Ataxia-telangiectasia, complementation group D; AT, COMPLEMENTATION GROUP C; Cerebello-oculocutaneous telangiectasia; Immunodeficiency with ataxia telangiectasia; Ataxia-telangiectasia, complementation group E; LOUIS-BAR SYNDROME. Identifiers: Orphanet 100, MedGen C0004135, MONDO:0008840, OMIM 208900.

Submission:

Labcorp Genetics (formerly Invitae), Labcorp
Classification: Uncertain significance for Ataxia-telangiectasia syndrome. Last evaluated: 2021-07-12. Review status: criteria provided, single submitter. Criteria: Invitae Variant Classification Sherloc (09022015). Collection method: clinical testing. Allele origin: germline.
Comment: This sequence change replaces serine with glycine at codon 1872 of the ATM protein (p.Ser1872Gly). The serine residue is weakly conserved and there is a small physicochemical difference between serine and glycine. This variant is not present in population databases (ExAC no frequency). This variant has not been reported in the literature in individuals affected with ATM-related conditions. Advanced modeling of protein sequence and biophysical properties (such as structural, functional, and spatial information, amino acid conservation, physicochemical variation, residue mobility, and thermodynamic stability) performed at Invitae indicates that this missense variant is not expected to disrupt ATM protein function. In summary, the available evidence is currently insufficient to determine the role of this variant in disease. Therefore, it has been classified as a Variant of Uncertain Significance.

NM_000051.4(ATM):c.5614A>G (p.Ser1872Gly)

Gene: ATM (ATM serine/threonine kinase; plus strand). Cytogenetic location: 11q22.3.
Variant type: single nucleotide variant.
Coding change: c.5614A>G on transcript NM_000051.4 (MANE Select); coding-DNA position 5614, A replaced by G.
Protein change: p.Ser1872Gly; replaces serine 1872 with glycine.
Molecular consequence: missense variant.
Genome position (GRCh38, 1-based): chr11:108,304,792, A>G. VCF-style: chr11-108304792-A-G. GRCh37 (hg19) VCF-style: chr11-108175519-A-G.
Other names: c.5614A>G, p.Ser1872Gly (NM_001351834.2); short protein forms S1872G.
Identifiers: ClinVar variation 1465362 (VCV001465362.8), dbSNP rs2135945114, ClinGen allele CA382546304.